The following is an entry in ClinVar:

ClinVar aggregate classification (germline): Uncertain significance (1 of 4 stars; one submission).

Conditions:
Hereditary cancer-predisposing syndrome. Also called: Neoplastic Syndromes, Hereditary; Tumor predisposition; Hereditary neoplastic syndrome; Hereditary Cancer Syndrome. Identifiers: Orphanet 140162, MedGen C0027672, MeSH D009386, MONDO:0015356.

Submission:

Ambry Genetics
Classification: Uncertain significance for Hereditary cancer-predisposing syndrome. Last evaluated: 2022-11-03. Review status: criteria provided, single submitter. Criteria: Ambry Variant Classification Scheme 2023. Collection method: clinical testing. Allele origin: germline.
Comment: The p.S447T variant (also known as c.1339T>A), located in coding exon 9 of the RAD50 gene, results from a T to A substitution at nucleotide position 1339. The serine at codon 447 is replaced by threonine, an amino acid with similar properties. This amino acid position is conserved. In addition, this alteration is predicted to be tolerated by in silico analysis. Since supporting evidence is limited at this time, the clinical significance of this alteration remains unclear.

NM_005732.4(RAD50):c.1339T>A (p.Ser447Thr)

Gene: RAD50 (RAD50 double strand break repair protein; plus strand). Cytogenetic location: 5q31.1.
Variant type: single nucleotide variant.
Coding change: c.1339T>A on transcript NM_005732.4 (MANE Select); coding-DNA position 1339, T replaced by A.
Protein change: p.Ser447Thr; replaces serine 447 with threonine.
Molecular consequence: missense variant.
Genome position (GRCh38, 1-based): chr5:132,589,724, T>A. VCF-style: chr5-132589724-T-A. GRCh37 (hg19) VCF-style: chr5-131925416-T-A.
Other names: short protein forms S447T.
Identifiers: ClinVar variation 2451401 (VCV002451401.2), dbSNP rs1750663623, ClinGen allele CA360944105.